The following is an entry in ClinVar:

ClinVar aggregate classification (germline): Pathogenic (1 of 4 stars; one submission).

Conditions:
Neurofibromatosis, type 1 (NF1). Also called: VON RECKLINGHAUSEN DISEASE; Peripheral type neurofibromatosis; NEUROFIBROMATOSIS, TYPE I, SOMATIC; Neurofibromatosis, type I. Identifiers: Orphanet 636, MedGen C0027831, MONDO:0018975, OMIM 162200. Disease mechanism: loss of function.

Submission:

Labcorp Genetics (formerly Invitae), Labcorp
Classification: Pathogenic for Neurofibromatosis, type 1. Last evaluated: 2020-10-05. Review status: criteria provided, single submitter. Criteria: Invitae Variant Classification Sherloc (09022015). Collection method: clinical testing. Allele origin: germline.
Comment: This sequence change creates a premature translational stop signal (p.Lys583*) in the NF1 gene. It is expected to result in an absent or disrupted protein product. This variant is not present in population databases (ExAC no frequency). This variant has not been reported in the literature in individuals with NF1-related conditions. Loss-of-function variants in NF1 are known to be pathogenic (PMID: 10712197, 23913538). For these reasons, this variant has been classified as Pathogenic.

Literature cited by the submitters: PubMed 10712197; PubMed 23913538.

NM_001042492.3(NF1):c.1747A>T (p.Lys583Ter)

Gene: NF1 (neurofibromin 1; plus strand). Cytogenetic location: 17q11.2.
Variant type: single nucleotide variant.
Coding change: c.1747A>T on transcript NM_001042492.3 (MANE Select); coding-DNA position 1747, A replaced by T.
Protein change: p.Lys583Ter; replaces lysine 583 with a stop codon.
Molecular consequence: nonsense.
Genome position (GRCh38, 1-based): chr17:31,223,469, A>T. VCF-style: chr17-31223469-A-T. GRCh37 (hg19) VCF-style: chr17-29550487-A-T.
Other names: c.1747A>T, p.Lys583Ter (NM_000267.4); short protein forms K583*.
Identifiers: ClinVar variation 1072955 (VCV001072955.5), dbSNP rs2144015942, ClinGen allele CA399004098.